The following is an entry in ClinVar:

NM_031407.7(HUWE1):c.1793G>A (p.Arg598His)

Gene: HUWE1 (HECT, UBA and WWE domain containing E3 ubiquitin protein ligase 1; minus strand). Cytogenetic location: Xp11.22.
Variant type: single nucleotide variant.
Coding change: c.1793G>A on transcript NM_031407.7 (MANE Select); coding-DNA position 1793, G replaced by A.
Protein change: p.Arg598His; replaces arginine 598 with histidine.
Molecular consequence: missense variant.
Genome position (GRCh38, 1-based): chrX:53,617,134, C>T on the plus strand (G>A on the coding strand, the complement: HUWE1 is on the minus strand). VCF-style: chrX-53617134-C-T. GRCh37 (hg19) VCF-style: chrX-53644095-C-T.
Other names: c.1793G>A, p.Arg598His (NM_001441048.1, NM_001441049.1, NM_001441051.1 and 6 more transcripts); c.1814G>A, p.Arg605His (NM_001441050.1, NM_001441055.1); short protein forms R598H, R605H.
Identifiers: ClinVar variation 4891117 (VCV004891117.1).

ClinVar aggregate classification (germline): Uncertain significance (1 of 4 stars; one submission).

gnomAD v4.1: 1 of 1,208,776 alleles (0.000083%); highest among the groups gnomAD compares: Non-Finnish European, 0.00011%; no homozygotes.

Submission:

Greenwood Genetic Center Diagnostic Laboratories, Greenwood Genetic Center
Classification: Uncertain significance. Last evaluated: 2026-06-01. Review status: criteria provided, single submitter. Criteria: ACMG Guidelines, 2015. Collection method: clinical testing. Allele origin: germline.
Comment: PM2, PP2, PP3